The following is an entry in ClinVar:

ClinVar aggregate classification (germline): Uncertain significance. Review status: criteria provided, multiple submitters, no conflicts (2 of 4 stars). 13 submissions from 9 submitters: Uncertain significance (12). 1 of the submissions does not count toward it. Last evaluated 2026-02-27.

Conditions:
CEP290-related disorder. Also called: CEP290-related disorders; CEP290-related condition. Identifiers: MedGen CN239314.
Inborn genetic diseases. Identifiers: MedGen C0950123, MeSH D030342.
Joubert syndrome. Also called: Familial aplasia of the vermis; JOUBERT-BOLTSHAUSER SYNDROME. Identifiers: Orphanet 475, MedGen C5979921, MONDO:0018772.
Meckel-Gruber syndrome. Also called: DYSENCEPHALIA SPLANCHNOCYSTICA; GRUBER SYNDROME; Dysencephalia splachnocystica. Identifiers: Orphanet 564, MedGen C0265215, MONDO:0018921.
Nephronophthisis. Also called: Juvenile Nephronophthisis. Identifiers: Orphanet 655, MedGen C0687120, MONDO:0019005, HP:0000090.
Bardet-Biedl syndrome 14 (BBS14). Identifiers: Orphanet 110, MedGen C2673874, MONDO:0014442, OMIM 615991.
Leber congenital amaurosis (LCA). Also called: Leber's amaurosis. Identifiers: Orphanet 65, MedGen C0339527, MeSH D057130, MONDO:0018998.
CEP290-related ciliopathy. Also called: CEP290 ciliopathy. Identifiers: MedGen CN305601, MONDO:0100451.
Leber congenital amaurosis 10 (LCA10). Identifiers: Orphanet 65, MedGen C1857821, MONDO:0012723, OMIM 611755.
Meckel syndrome, type 4 (MKS4). Also called: MECKEL-GRUBER SYNDROME, TYPE 4. Identifiers: Orphanet 564, MedGen C1970161, MONDO:0012626, OMIM 611134.
Joubert syndrome 5 (JBTS5). Identifiers: Orphanet 2318, MedGen C1857780, MONDO:0012432, OMIM 610188.
Senior-Loken syndrome 6 (SLSN6). Identifiers: Orphanet 3156, MedGen C1857779, MONDO:0012433, OMIM 610189.

Allele frequency attached by ClinVar (database versions not stated): ExAC 0.00013; gnomAD 0.00013 and 0.00012; gnomAD exomes 0.00014 and 0.00012; ESP Exome Variant Server 0.00017; TOPMed 0.00008.
gnomAD v4.1: 222 of 1,592,354 alleles (0.014%); highest among the groups gnomAD compares: Non-Finnish European, 0.018%; 1 homozygote.

Submissions (13):

PreventionGenetics, part of Exact Sciences
Classification: Uncertain significance for CEP290-related condition. Last evaluated: 2026-02-27. Review status: criteria provided, single submitter. Criteria: ACMG Guidelines, 2015. Collection method: clinical testing. Allele origin: germline.
Comment: The CEP290 c.5338G>A variant is predicted to result in the amino acid substitution p.Val1780Ile. To our knowledge, this variant has not been reported in the literature. This variant is reported in 0.020% of alleles in individuals of European (non-Finnish) descent in gnomAD. At this time, the clinical significance of this variant is uncertain due to the absence of conclusive functional and genetic evidence.

GeneDx
Classification: Uncertain significance. Last evaluated: 2025-04-10. Review status: criteria provided, single submitter. Criteria: GeneDx Variant Classification Process June 2021. Collection method: clinical testing. Allele origin: germline. Affected: yes.
Comment: In silico analysis indicates that this missense variant does not alter protein structure/function; Has not been previously published as pathogenic or benign to our knowledge

Blueprint Genetics
Classification: Uncertain significance. Last evaluated: 2024-03-04. Review status: criteria provided, single submitter. Criteria: ACMG Guidelines, 2015. Collection method: clinical testing. Allele origin: germline.

Ambry Genetics
Classification: Uncertain significance for Inborn genetic diseases. Last evaluated: 2023-12-17. Review status: criteria provided, single submitter. Criteria: Ambry Variant Classification Scheme 2023. Collection method: clinical testing. Allele origin: germline.

Labcorp Genetics (formerly Invitae), Labcorp
Classification: Uncertain significance for Joubert syndrome; Meckel-Gruber syndrome; Nephronophthisis. Last evaluated: 2022-07-06. Review status: criteria provided, single submitter. Criteria: Invitae Variant Classification Sherloc (09022015). Collection method: clinical testing. Allele origin: germline.
Comment: This sequence change replaces valine, which is neutral and non-polar, with isoleucine, which is neutral and non-polar, at codon 1780 of the CEP290 protein (p.Val1780Ile). This variant is present in population databases (rs368492668, gnomAD 0.02%). This variant has not been reported in the literature in individuals affected with CEP290-related conditions. ClinVar contains an entry for this variant (Variation ID: 310595). Algorithms developed to predict the effect of missense changes on protein structure and function output the following: SIFT: "Tolerated"; PolyPhen-2: "Benign"; Align-GVGD: "Class C0". The isoleucine amino acid residue is found in multiple mammalian species, which suggests that this missense change does not adversely affect protein function. In summary, the available evidence is currently insufficient to determine the role of this variant in disease. Therefore, it has been classified as a Variant of Uncertain Significance.

Fulgent Genetics
Classification: Uncertain significance for Joubert syndrome 5; Senior-Loken syndrome 6; Meckel syndrome, type 4; Leber congenital amaurosis 10; Bardet-Biedl syndrome 14. Last evaluated: 2021-12-23. Review status: criteria provided, single submitter. Criteria: ACMG Guidelines, 2015. Collection method: clinical testing. Allele origin: unknown.

Department of Pathology and Laboratory Medicine, Sinai Health System
Classification: Uncertain significance for CEP290-related ciliopathy. Last evaluated: 2021-07-30. Review status: criteria provided, single submitter. Criteria: ACMG Guidelines, 2015. Collection method: research. Allele origin: germline.

Illumina Laboratory Services, Illumina
Classification: Uncertain significance for Senior-Loken syndrome 6. Last evaluated: 2018-01-13. Review status: criteria provided, single submitter. Criteria: ICSL Variant Classification Criteria 13 December 2019. Collection method: clinical testing. Allele origin: germline.

Illumina Laboratory Services, Illumina
Classification: Uncertain significance for Meckel syndrome, type 4. Last evaluated: 2018-01-13. Review status: criteria provided, single submitter. Criteria: ICSL Variant Classification Criteria 13 December 2019. Collection method: clinical testing. Allele origin: germline.

Illumina Laboratory Services, Illumina
Classification: Uncertain significance for Bardet-Biedl syndrome 14. Last evaluated: 2018-01-13. Review status: criteria provided, single submitter. Criteria: ICSL Variant Classification Criteria 13 December 2019. Collection method: clinical testing. Allele origin: germline.

Illumina Laboratory Services, Illumina
Classification: Uncertain significance for Leber congenital amaurosis 10. Last evaluated: 2018-01-13. Review status: criteria provided, single submitter. Criteria: ICSL Variant Classification Criteria 13 December 2019. Collection method: clinical testing. Allele origin: germline.

Illumina Laboratory Services, Illumina
Classification: Uncertain significance for Joubert syndrome 5. Last evaluated: 2018-01-13. Review status: criteria provided, single submitter. Criteria: ICSL Variant Classification Criteria 13 December 2019. Collection method: clinical testing. Allele origin: germline.

Natera, Inc.
Classification: Uncertain significance for Leber congenital amaurosis. Last evaluated: 2019-10-28. Review status: no assertion criteria provided. Collection method: clinical testing. Allele origin: germline. Not counted in ClinVar's aggregate classification.

NM_025114.4(CEP290):c.5338G>A (p.Val1780Ile)

Gene: CEP290 (centrosomal protein 290; minus strand). Cytogenetic location: 12q21.32.
Variant type: single nucleotide variant.
Coding change: c.5338G>A on transcript NM_025114.4 (MANE Select); coding-DNA position 5338, G replaced by A.
Protein change: p.Val1780Ile; replaces valine 1780 with isoleucine.
Molecular consequence: missense variant.
Genome position (GRCh38, 1-based): chr12:88,079,118, C>T on the plus strand (G>A on the coding strand, the complement: CEP290 is on the minus strand). VCF-style: chr12-88079118-C-T. GRCh37 (hg19) VCF-style: chr12-88472895-C-T.
Other names: short protein forms V1780I.
Identifiers: ClinVar variation 310595 (VCV000310595.18), dbSNP rs368492668, ClinGen allele CA6711736.